The following is an entry in ClinVar:

ClinVar aggregate classification (germline): Likely benign. Review status: criteria provided, multiple submitters, no conflicts (2 of 4 stars). 5 submissions from 5 submitters: Likely benign (5). Last evaluated 2025-12-30.

Conditions:
Inborn genetic diseases. Identifiers: MedGen C0950123, MeSH D030342.

Allele frequency attached by ClinVar (database versions not stated): gnomAD 0.00003; ExAC 0.00005; gnomAD exomes 0.00005 and 0.00008; TOPMed 0.00005; ESP Exome Variant Server 0.00019.
gnomAD v4.1: 90 of 1,150,108 alleles (0.0078%); highest among the groups gnomAD compares: Non-Finnish European, 0.01%; no homozygotes.

Submissions (5):

Labcorp Genetics (formerly Invitae), Labcorp
Classification: Likely benign. Last evaluated: 2025-12-30. Review status: criteria provided, single submitter. Criteria: Invitae Variant Classification Sherloc (09022015). Collection method: clinical testing. Allele origin: germline.

Blueprint Genetics
Classification: Likely benign. Last evaluated: 2023-11-08. Review status: criteria provided, single submitter. Criteria: ACMG Guidelines, 2015. Collection method: clinical testing. Allele origin: germline.

CeGaT Center for Human Genetics Tuebingen
Classification: Likely benign. Last evaluated: 2022-08-01. Review status: criteria provided, single submitter. Criteria: CeGaT Center For Human Genetics Tuebingen Variant Classification Criteria Version 2. Collection method: clinical testing. Allele origin: germline. Affected: yes. Observed: 1 variant allele.
Comment: GRIA3: BP4, BP7

Ambry Genetics
Classification: Likely benign for Inborn genetic diseases. Last evaluated: 2018-01-22. Review status: criteria provided, single submitter. Criteria: Ambry Variant Classification Scheme 2023. Collection method: clinical testing. Allele origin: germline.

Breakthrough Genomics
Classification: Likely benign. Review status: criteria provided, single submitter. Criteria: ACMG Guidelines, 2015. Collection method: not provided. Allele origin: germline. Inheritance: X-linked inheritance. Affected: yes.

NM_007325.5(GRIA3):c.1158T>C (p.Tyr386=)

Gene: GRIA3 (glutamate ionotropic receptor AMPA type subunit 3; plus strand). Cytogenetic location: Xq25.
Variant type: single nucleotide variant.
Coding change: c.1158T>C on transcript NM_007325.5 (MANE Select); coding-DNA position 1158, T replaced by C.
Protein change: p.Tyr386=; no amino-acid change (tyrosine 386 retained).
Molecular consequence: synonymous variant.
Genome position (GRCh38, 1-based): chrX:123,403,071, T>C. VCF-style: chrX-123403071-T-C. GRCh37 (hg19) VCF-style: chrX-122536922-T-C.
Other names: c.1158T>C, p.Tyr386= (NM_000828.5).
Identifiers: ClinVar variation 742582 (VCV000742582.36), dbSNP rs142692007, ClinGen allele CA10507021.